The following is an entry in ClinVar:

ClinVar aggregate classification (germline): Uncertain significance. Review status: criteria provided, multiple submitters, no conflicts (2 of 4 stars). 2 submissions from 2 submitters: Uncertain significance (2). Last evaluated 2023-09-12.

Conditions:
Hereditary cancer-predisposing syndrome. Also called: Hereditary neoplastic syndrome; Neoplastic Syndromes, Hereditary; Tumor predisposition; Hereditary Cancer Syndrome. Identifiers: Orphanet 140162, MedGen C0027672, MeSH D009386, MONDO:0015356.
Hereditary diffuse gastric adenocarcinoma (HDGC). Also called: DIFFUSE GASTRIC AND LOBULAR BREAST CANCER SYNDROME. Identifiers: Orphanet 26106, MedGen C1708349, MONDO:0007648, OMIM 137215.

Submissions (2):

Ambry Genetics
Classification: Uncertain significance for Hereditary cancer-predisposing syndrome. Last evaluated: 2023-09-12. Review status: criteria provided, single submitter. Criteria: Ambry Variant Classification Scheme 2023. Collection method: clinical testing. Allele origin: germline.
Comment: The p.P200L variant (also known as c.599C>T), located in coding exon 5 of the CDH1 gene, results from a C to T substitution at nucleotide position 599. The proline at codon 200 is replaced by leucine, an amino acid with similar properties. This amino acid position is well conserved in available vertebrate species. In addition, the in silico prediction for this alteration is inconclusive. Since supporting evidence is limited at this time, the clinical significance of this alteration remains unclear.

Labcorp Genetics (formerly Invitae), Labcorp
Classification: Uncertain significance for Hereditary diffuse gastric adenocarcinoma. Last evaluated: 2023-07-07. Review status: criteria provided, single submitter. Criteria: Invitae Variant Classification Sherloc (09022015). Collection method: clinical testing. Allele origin: germline.
Comment: This sequence change replaces proline, which is neutral and non-polar, with leucine, which is neutral and non-polar, at codon 200 of the CDH1 protein (p.Pro200Leu). This variant is not present in population databases (gnomAD no frequency). This variant has not been reported in the literature in individuals affected with CDH1-related conditions. ClinVar contains an entry for this variant (Variation ID: 463786). An algorithm developed to predict the effect of missense changes on protein structure and function (PolyPhen-2) suggests that this variant is likely to be disruptive. In summary, the available evidence is currently insufficient to determine the role of this variant in disease. Therefore, it has been classified as a Variant of Uncertain Significance.

NM_004360.5(CDH1):c.599C>T (p.Pro200Leu)

Gene: CDH1 (cadherin 1; plus strand). Cytogenetic location: 16q22.1.
Variant type: single nucleotide variant.
Coding change: c.599C>T on transcript NM_004360.5 (MANE Select); coding-DNA position 599, C replaced by T.
Protein change: p.Pro200Leu; replaces proline 200 with leucine.
Molecular consequence: missense variant. On other transcripts: 5 prime UTR variant (2).
Genome position (GRCh38, 1-based): chr16:68,808,760, C>T. VCF-style: chr16-68808760-C-T. GRCh37 (hg19) VCF-style: chr16-68842663-C-T.
Other names: c.599C>T (LRG_301t1); c.599C>T, p.Pro200Leu (NM_001317184.2); c.-1017C>T (NM_001317185.2); c.-1221C>T (NM_001317186.2); short protein forms P200L.
Identifiers: ClinVar variation 463786 (VCV000463786.11), dbSNP rs1555515266, ClinGen allele CA396457987.